The following is an entry in ClinVar:

ClinVar aggregate classification (germline): Uncertain significance. Review status: criteria provided, multiple submitters, no conflicts (2 of 4 stars). 3 submissions from 3 submitters: Uncertain significance (3). Last evaluated 2024-08-05.

Conditions:
Cardiovascular phenotype. Identifiers: MedGen CN230736.
Arrhythmogenic cardiomyopathy with wooly hair and keratoderma. Also called: PALMOPLANTAR KERATODERMA WITH LEFT VENTRICULAR CARDIOMYOPATHY AND WOOLLY HAIR; Carvajal syndrome; Dilated cardiomyopathy with woolly hair and keratoderma; Arrhythmogenic cardiomyopathy with woolly hair and keratoderma. Identifiers: Orphanet 65282, MedGen C1854063, MONDO:0011581, OMIM 605676.
Arrhythmogenic right ventricular dysplasia 8 (ARVD8). Also called: Arrhythmogenic Right Ventricular Dysplasia/Cardiomyopathy 8; ARRHYTHMOGENIC RIGHT VENTRICULAR DYSPLASIA, FAMILIAL, 8; ARRHYTHMOGENIC RIGHT VENTRICULAR CARDIOMYOPATHY 8. Identifiers: MedGen C1843896, MONDO:0011831, OMIM 607450.

Allele frequency attached by ClinVar (database versions not stated): gnomAD exomes below 0.00001; TOPMed below 0.00001; gnomAD 0.00001.

Submissions (3):

Labcorp Genetics (formerly Invitae), Labcorp
Classification: Uncertain significance for Arrhythmogenic cardiomyopathy with wooly hair and keratoderma; Arrhythmogenic right ventricular dysplasia 8. Last evaluated: 2024-08-05. Review status: criteria provided, single submitter. Criteria: Invitae Variant Classification Sherloc (09022015). Collection method: clinical testing. Allele origin: germline.
Comment: This sequence change replaces threonine, which is neutral and polar, with alanine, which is neutral and non-polar, at codon 1748 of the DSP protein (p.Thr1748Ala). This variant is not present in population databases (gnomAD no frequency). This variant has not been reported in the literature in individuals affected with DSP-related conditions. ClinVar contains an entry for this variant (Variation ID: 534309). An algorithm developed to predict the effect of missense changes on protein structure and function outputs the following: PolyPhen-2: "Benign". The alanine amino acid residue is found in multiple mammalian species, which suggests that this missense change does not adversely affect protein function. In summary, the available evidence is currently insufficient to determine the role of this variant in disease. Therefore, it has been classified as a Variant of Uncertain Significance.

Ambry Genetics
Classification: Uncertain significance for Cardiovascular phenotype. Last evaluated: 2024-05-06. Review status: criteria provided, single submitter. Criteria: Ambry Variant Classification Scheme 2023. Collection method: clinical testing. Allele origin: germline.
Comment: The p.T1748A variant (also known as c.5242A>G), located in coding exon 23 of the DSP gene, results from an A to G substitution at nucleotide position 5242. The threonine at codon 1748 is replaced by alanine, an amino acid with similar properties. This amino acid position is conserved. In addition, this alteration is predicted to be tolerated by in silico analysis. Based on the available evidence, the clinical significance of this variant remains unclear.

All of Us Research Program, National Institutes of Health
Classification: Uncertain significance for Arrhythmogenic cardiomyopathy with wooly hair and keratoderma. Last evaluated: 2023-05-04. Review status: criteria provided, single submitter. Criteria: ACMG Guidelines, 2015. Collection method: clinical testing. Allele origin: germline. Inheritance: Autosomal dominant inheritance. Observed: 1 variant allele, 1 heterozygote.
Comment: This missense variant replaces threonine with alanine at codon 1748 of the DSP protein. Computational prediction suggests that this variant may not impact protein structure and function (internally defined REVEL score threshold <= 0.5, PMID: 27666373). To our knowledge, functional studies have not been reported for this variant. This variant has not been reported in individuals affected with DSP-related disorders in the literature. This variant has not been identified in the general population by the Genome Aggregation Database (gnomAD). The available evidence is insufficient to determine the role of this variant in disease conclusively. Therefore, this variant is classified as a Variant of Uncertain Significance.

This study involves interpretation of variants in research participants for the purpose of population health screening. Participant phenotype was not available at the time of variant classification. Additional details can be found in publication PMID: 35346344, PMCID: PMC8962531

NM_004415.4(DSP):c.5242A>G (p.Thr1748Ala)

Gene: DSP (desmoplakin; plus strand). Cytogenetic location: 6p24.3.
Variant type: single nucleotide variant.
Coding change: c.5242A>G on transcript NM_004415.4 (MANE Select); coding-DNA position 5242, A replaced by G.
Protein change: p.Thr1748Ala; replaces threonine 1748 with alanine.
Molecular consequence: missense variant. On other transcripts: intron variant (2).
Genome position (GRCh38, 1-based): chr6:7,581,432, A>G. VCF-style: chr6-7581432-A-G. GRCh37 (hg19) VCF-style: chr6-7581665-A-G.
Other names: c.5242A>G (LRG_423t1); c.4050+1192A>G (NM_001319034.2); c.3583-1210A>G (NM_001008844.3); short protein forms T1748A.
Identifiers: ClinVar variation 534309 (VCV000534309.9), dbSNP rs1315952619, ClinGen allele CA362688165.